The following is an entry in ClinVar:

NM_001754.5(RUNX1):c.805+13T>C

Gene: RUNX1 (RUNX family transcription factor 1; minus strand). Cytogenetic location: 21q22.12.
Variant type: single nucleotide variant.
Coding change: c.805+13T>C on transcript NM_001754.5 (MANE Select); 13 bases into the intron after coding-DNA position 805, T replaced by C.
Molecular consequence: intron variant.
Genome position (GRCh38, 1-based): chr21:34,834,397, A>G on the plus strand (T>C on the coding strand, the complement: RUNX1 is on the minus strand). VCF-style: chr21-34834397-A-G. GRCh37 (hg19) VCF-style: chr21-36206694-A-G.
Other names: c.724+13T>C (NM_001001890.3, NM_001122607.2).
Identifiers: ClinVar variation 1572605 (VCV001572605.9), dbSNP rs1395196749, ClinGen allele CA638054525.

ClinVar aggregate classification (germline): Likely benign. Review status: reviewed by expert panel (3 of 4 stars). 2 submissions from 2 submitters: Likely benign (1). 1 of the submissions does not count toward it. Last evaluated 2025-01-15.

Conditions:
Hereditary thrombocytopenia and hematological cancer predisposition syndrome associated with RUNX1. Also called: RUNX1 Familial Platelet Disorder with Associated Myeloid Malignancies; Familial Platelet Disorder with Propensity to Acute Myelogenous Leukemia; Familial thrombocytopenia with propensity to acute myelogenous leukemia; PLATELET DISORDER, ASPIRIN-LIKE. Identifiers: Orphanet 71290, MedGen C1832388, MeSH C563324, MONDO:0100083, OMIM 601399.
Hereditary thrombocytopenia and hematologic cancer predisposition syndrome. Identifiers: Orphanet 71290, MedGen CN281654, MONDO:0011071.

Allele frequency attached by ClinVar (database versions not stated): gnomAD exomes below 0.00001 and 0.00001; gnomAD 0.00001; TOPMed 0.00001.
gnomAD v4.1: 6 of 1,611,562 alleles (0.00037%); highest among the groups gnomAD compares: Non-Finnish European, 0.00042%; no homozygotes.

Submissions (2):

ClinGen Myeloid Malignancy Variant Curation Expert Panel
Classification: Likely benign for Hereditary thrombocytopenia and hematologic cancer predisposition syndrome. Last evaluated: 2025-01-15. Review status: reviewed by expert panel. Criteria: ClinGen MyeloMalig ACMG Specifications v2. Collection method: curation. Allele origin: germline. Inheritance: Autosomal dominant inheritance.
Comment: NM_001754.5(RUNX1):c.805+13T>C is an intronic variant not predicted to affect splicing (BP4). This variant has a SpliceAI score ≤ 0.20 (0.001) and evolutionary conservation prediction algorithms predict the site as not being conserved (PhyloP score ≤ 2.0 (-1.947)) (BP7). In summary, the clinical significance of this variant is Likely benign. ACMG/AMP criteria applied, as specified by the Myeloid Malignancy Variant Curation Expert Panel for RUNX1: BP4, BP7

Labcorp Genetics (formerly Invitae), Labcorp
Classification: Likely benign for Hereditary thrombocytopenia and hematological cancer predisposition syndrome associated with RUNX1. Last evaluated: 2025-12-08. Review status: criteria provided, single submitter. Criteria: Invitae Variant Classification Sherloc (09022015). Collection method: clinical testing. Allele origin: germline. Not counted in ClinVar's aggregate classification.